The following is an entry in ClinVar:

ClinVar aggregate classification (germline): Pathogenic (1 of 4 stars; one submission).

Submission:

Labcorp Genetics (formerly Invitae), Labcorp
Classification: Pathogenic. Last evaluated: 2023-05-30. Review status: criteria provided, single submitter. Criteria: Invitae Variant Classification Sherloc (09022015). Collection method: clinical testing. Allele origin: germline.
Comment: For these reasons, this variant has been classified as Pathogenic. This variant has not been reported in the literature in individuals affected with CAD-related conditions. This variant is not present in population databases (gnomAD no frequency). This sequence change creates a premature translational stop signal (p.Phe1436Cysfs*18) in the CAD gene. It is expected to result in an absent or disrupted protein product. Loss-of-function variants in CAD are known to be pathogenic (PMID: 28007989, 32117025, 32820246, 33497533).

Literature cited by the submitters: PubMed 28007989; PubMed 32117025; PubMed 32820246; PubMed 33497533.

NM_004341.5(CAD):c.4307_4308del (p.Phe1436fs)

Gene: CAD (carbamoyl-phosphate synthetase 2, aspartate transcarbamylase, and dihydroorotase; plus strand). Cytogenetic location: 2p23.3.
Variant type: Deletion.
Coding change: c.4307_4308del on transcript NM_004341.5 (MANE Select); coding-DNA positions 4307 to 4308, 2 bases deleted (TT; older notation c.4307_4308delTT).
Protein change: p.Phe1436fs; shifts the reading frame from phenylalanine 1436.
Molecular consequence: frameshift variant.
Genome position (GRCh38, 1-based): chr2:27,236,516-27,236,517, TT deleted; deleting any 2 consecutive bases within chr2:27,236,515-27,236,517 gives the same sequence; the c. name uses the placement nearest the transcript's 3' end. VCF-style (leftmost placement, unchanged base first): chr2-27236514-CTT-C. GRCh37 (hg19) VCF-style: chr2-27459382-CTT-C.
Other names: c.4118_4119del, p.Phe1373fs (NM_001306079.2); short protein forms F1373fs, F1436fs.
Identifiers: ClinVar variation 2961472 (VCV002961472.3), dbSNP rs2465341923, ClinGen allele CA2658312177.